The following is an entry in ClinVar:

NM_001005361.3(DNM2):c.1672-19_1672-16del

Gene: DNM2 (dynamin 2; plus strand). Cytogenetic location: 19p13.2.
Variant type: Deletion.
Coding change: c.1672-19_1672-16del on transcript NM_001005361.3 (MANE Select); 19 bases into the intron before coding-DNA position 1672 through 16 bases into the intron before coding-DNA position 1672, 4 bases deleted (CTTT; older notation c.1672-19_1672-16delCTTT).
Molecular consequence: intron variant.
Genome position (GRCh38, 1-based): chr19:10,819,961-10,819,964, CTTT deleted; deleting any 4 consecutive bases within chr19:10,819,960-10,819,964 gives the same sequence; the c. name uses the placement nearest the transcript's 3' end. VCF-style (leftmost placement, unchanged base first): chr19-10819959-CTCTT-C. GRCh37 (hg19) VCF-style: chr19-10930635-CTCTT-C.
Other names: c.1672-19_1672-16delCTTT (NM_001005360.3); c.1672-19_1672-16del (NM_001005360.3, NM_001190716.2); c.1660-19_1660-16del (NM_004945.4, NM_001005362.3).
Identifiers: ClinVar variation 1570907 (VCV001570907.10), dbSNP rs771706714, ClinGen allele CA9201378.

ClinVar aggregate classification (germline): Benign/Likely benign. Review status: criteria provided, multiple submitters, no conflicts (2 of 4 stars). 3 submissions from 3 submitters: Benign (1); Likely benign (2). Last evaluated 2025-11-18.

Conditions:
Charcot-Marie-Tooth disease dominant intermediate B (CMTDIB). Also called: Charcot-Marie-Tooth disease dominant intermediate 1; CMT DI1; Charcot-Marie-Tooth disease dominant intermediate I; CHARCOT-MARIE-TOOTH NEUROPATHY, DOMINANT INTERMEDIATE B. Identifiers: Orphanet 100044, Orphanet 228179, MedGen C1847902, MONDO:0011674, OMIM 606482.

Submissions (3):

Women's Health and Genetics/Laboratory Corporation of America, LabCorp
Classification: Benign. Last evaluated: 2025-11-18. Review status: criteria provided, single submitter. Criteria: LabCorp Variant Classification Summary - May 2015. Collection method: clinical testing. Allele origin: germline.
Comment: Variant summary: DNM2 c.1672-19_1672-16delCTTT alters a nucleotide located at a position not widely known to affect splicing. Consensus agreement among computation tools predict no significant impact on normal splicing. However, these predictions have yet to be confirmed by functional studies. The variant allele was found at a frequency of 6.2e-05 in 1612432 control chromosomes, predominantly at a frequency of 8.3e-05 within the Non-Finnish European subpopulation in the gnomAD database. The observed variant frequency within Non-Finnish European control individuals in the gnomAD database exceeds the estimated maximal expected allele frequency for disease-causing variants in DNM2. To our knowledge, no occurrence of c.1672-19_1672-16delCTTT in individuals affected with DNM2-related conditions and no experimental evidence demonstrating its impact on protein function have been reported. ClinVar contains an entry for this variant (Variation ID: 1570907). Based on the evidence outlined above, the variant was classified as benign.

Labcorp Genetics (formerly Invitae), Labcorp
Classification: Likely benign for Charcot-Marie-Tooth disease dominant intermediate B. Last evaluated: 2025-05-25. Review status: criteria provided, single submitter. Criteria: Invitae Variant Classification Sherloc (09022015). Collection method: clinical testing. Allele origin: germline.

Blueprint Genetics
Classification: Likely benign. Last evaluated: 2022-09-29. Review status: criteria provided, single submitter. Criteria: ACMG Guidelines, 2015. Collection method: clinical testing. Allele origin: germline.